The following is an entry in ClinVar:

NM_000264.5(PTCH1):c.484C>T (p.Pro162Ser)

Gene: PTCH1 (patched 1; minus strand). Cytogenetic location: 9q22.32.
Variant type: single nucleotide variant.
Coding change: c.484C>T on transcript NM_000264.5 (MANE Select); coding-DNA position 484, C replaced by T.
Protein change: p.Pro162Ser; replaces proline 162 with serine.
Molecular consequence: missense variant. On other transcripts: non-coding transcript variant (1).
Genome position (GRCh38, 1-based): chr9:95,485,785, G>A on the plus strand (C>T on the coding strand, the complement: PTCH1 is on the minus strand). VCF-style: chr9-95485785-G-A. GRCh37 (hg19) VCF-style: chr9-98248067-G-A.
Other names: c.286C>T, p.Pro96Ser (NM_001083602.3, NM_001354919.2); c.481C>T, p.Pro161Ser (NM_001083603.3); c.31C>T, p.Pro11Ser (NM_001083604.3, NM_001083605.3, NM_001083606.3 and 1 more transcripts); c.484C>T, p.Pro162Ser (NM_001354918.2); short protein forms P11S, P162S, P161S, P96S.
Identifiers: ClinVar variation 1743555 (VCV001743555.2), dbSNP rs1165518590, ClinGen allele CA374116982.

ClinVar aggregate classification (germline): Uncertain significance (1 of 4 stars; one submission).

Conditions:
Hereditary cancer-predisposing syndrome. Also called: Hereditary Cancer Syndrome; Neoplastic Syndromes, Hereditary; Tumor predisposition; Hereditary neoplastic syndrome. Identifiers: Orphanet 140162, MedGen C0027672, MeSH D009386, MONDO:0015356.

Submission:

Ambry Genetics
Classification: Uncertain significance for Hereditary cancer-predisposing syndrome. Last evaluated: 2022-02-18. Review status: criteria provided, single submitter. Criteria: Ambry Variant Classification Scheme 2023. Collection method: clinical testing. Allele origin: germline.
Comment: The p.P162S variant (also known as c.484C>T), located in coding exon 3 of the PTCH1 gene, results from a C to T substitution at nucleotide position 484. The proline at codon 162 is replaced by serine, an amino acid with similar properties. This amino acid position is conserved. In addition, the in silico prediction for this alteration is inconclusive. Since supporting evidence is limited at this time, the clinical significance of this alteration remains unclear.